The following is an entry in ClinVar:

ClinVar aggregate classification (germline): Benign (1 of 4 stars; one submission).

gnomAD v4.1: 1,910 of 1,608,694 alleles (0.12%); highest among the groups gnomAD compares: African/African-American, 2.1%; 30 homozygotes.

Submission:

CeGaT Center for Human Genetics Tuebingen
Classification: Benign. Last evaluated: 2026-01-01. Review status: criteria provided, single submitter. Criteria: CeGaT Center For Human Genetics Tuebingen Variant Classification Criteria Version 2. Collection method: clinical testing. Allele origin: germline. Affected: yes. Observed: 1 variant allele.
Comment: TRPA1: BP4, BS1, BS2

NM_007332.3(TRPA1):c.1118A>T (p.Asn373Ile)

Gene: TRPA1 (transient receptor potential cation channel subfamily A member 1; minus strand). Cytogenetic location: 8q21.11.
Variant type: single nucleotide variant.
Coding change: c.1118A>T on transcript NM_007332.3 (MANE Select); coding-DNA position 1118, A replaced by T.
Protein change: p.Asn373Ile; replaces asparagine 373 with isoleucine.
Molecular consequence: missense variant.
Genome position (GRCh38, 1-based): chr8:72,056,993, T>A on the plus strand (A>T on the coding strand, the complement: TRPA1 is on the minus strand). VCF-style: chr8-72056993-T-A. GRCh37 (hg19) VCF-style: chr8-72969228-T-A.
Other names: short protein forms N373I.
Identifiers: ClinVar variation 4820824 (VCV004820824.4).